The following is an entry in ClinVar:

NM_004006.3(DMD):c.3080G>A (p.Gly1027Glu)

Gene: DMD (dystrophin; minus strand). Cytogenetic location: Xp21.1.
Variant type: single nucleotide variant.
Coding change: c.3080G>A on transcript NM_004006.3 (MANE Select); coding-DNA position 3080, G replaced by A.
Protein change: p.Gly1027Glu; replaces glycine 1027 with glutamic acid.
Molecular consequence: missense variant.
Genome position (GRCh38, 1-based): chrX:32,468,580, C>T on the plus strand (G>A on the coding strand, the complement: DMD is on the minus strand). VCF-style: chrX-32468580-C-T. GRCh37 (hg19) VCF-style: chrX-32486697-C-T.
Other names: c.3056G>A, p.Gly1019Glu (NM_000109.4); c.3068G>A, p.Gly1023Glu (NM_004009.3); c.2711G>A, p.Gly904Glu (NM_004010.3); short protein forms G1023E, G1019E, G1027E, G904E.
Identifiers: ClinVar variation 4742253 (VCV004742253.1).

ClinVar aggregate classification (germline): Uncertain significance (1 of 4 stars; one submission).

Conditions:
Duchenne muscular dystrophy (DMD). Also called: MUSCULAR DYSTROPHY, PSEUDOHYPERTROPHIC PROGRESSIVE, DUCHENNE TYPE; Duchenne Muscular Dystrophy (DMD). Identifiers: Orphanet 98896, MedGen C0013264, MONDO:0010679, OMIM 310200.

gnomAD v4.1: 3 of 1,208,962 alleles (0.00025%); highest among the groups gnomAD compares: Non-Finnish European, 0.00034%; no homozygotes.

Submission:

Labcorp Genetics (formerly Invitae), Labcorp
Classification: Uncertain significance for Duchenne muscular dystrophy. Last evaluated: 2026-01-21. Review status: criteria provided, single submitter. Criteria: Invitae Variant Classification Sherloc (09022015). Collection method: clinical testing. Allele origin: germline.
Comment: This sequence change replaces glycine, which is neutral and non-polar, with glutamic acid, which is acidic and polar, at codon 1027 of the DMD protein (p.Gly1027Glu). This variant is present in population databases (no rsID available, gnomAD 0.002%). This variant has not been reported in the literature in individuals affected with DMD-related conditions. Invitae Evidence Modeling of protein sequence and biophysical properties (such as structural, functional, and spatial information, amino acid conservation, physicochemical variation, residue mobility, and thermodynamic stability) indicates that this missense variant is not expected to disrupt DMD protein function with a negative predictive value of 95%. In summary, the available evidence is currently insufficient to determine the role of this variant in disease. Therefore, it has been classified as a Variant of Uncertain Significance.